The following is an entry in ClinVar:

NM_004656.4(BAP1):c.1286T>C (p.Leu429Ser)

Gene: BAP1 (BRCA1 associated deubiquitinase 1; minus strand). Cytogenetic location: 3p21.1.
Variant type: single nucleotide variant.
Coding change: c.1286T>C on transcript NM_004656.4 (MANE Select); coding-DNA position 1286, T replaced by C.
Protein change: p.Leu429Ser; replaces leucine 429 with serine.
Molecular consequence: missense variant.
Genome position (GRCh38, 1-based): chr3:52,403,859, A>G on the plus strand (T>C on the coding strand, the complement: BAP1 is on the minus strand). VCF-style: chr3-52403859-A-G. GRCh37 (hg19) VCF-style: chr3-52437875-A-G.
Other names: short protein forms L429S.
Identifiers: ClinVar variation 1518132 (VCV001518132.8), dbSNP rs2153226763, ClinGen allele CA353102339.

ClinVar aggregate classification (germline): Uncertain significance (1 of 4 stars; one submission).

Conditions:
BAP1-related tumor predisposition syndrome (TPDS1). Also called: TUMOR PREDISPOSITION SYNDROME 1; BAP1 tumor predisposition syndrome; Tumor susceptibility linked to germline BAP1 mutations; COMMON Syndrome. Identifiers: Orphanet 289539, MedGen C3280492, MONDO:0013692, OMIM 614327.

Submission:

Labcorp Genetics (formerly Invitae), Labcorp
Classification: Uncertain significance for BAP1-related tumor predisposition syndrome. Last evaluated: 2024-04-22. Review status: criteria provided, single submitter. Criteria: Invitae Variant Classification Sherloc (09022015). Collection method: clinical testing. Allele origin: germline.
Comment: This sequence change replaces leucine, which is neutral and non-polar, with serine, which is neutral and polar, at codon 429 of the BAP1 protein (p.Leu429Ser). This variant is not present in population databases (gnomAD no frequency). This variant has not been reported in the literature in individuals affected with BAP1-related conditions. ClinVar contains an entry for this variant (Variation ID: 1518132). Advanced modeling of protein sequence and biophysical properties (such as structural, functional, and spatial information, amino acid conservation, physicochemical variation, residue mobility, and thermodynamic stability) performed at Invitae indicates that this missense variant is not expected to disrupt BAP1 protein function with a negative predictive value of 80%. In summary, the available evidence is currently insufficient to determine the role of this variant in disease. Therefore, it has been classified as a Variant of Uncertain Significance.